The following is an entry in ClinVar:

ClinVar aggregate classification (germline): Uncertain significance (1 of 4 stars; one submission).

Conditions:
TTN-related disorder. Also called: TTN-related disorders; TTN-related condition; TTN-related disease.

Allele frequency attached by ClinVar (database versions not stated): gnomAD 0.00001; gnomAD exomes 0.00001; TOPMed 0.00001.
gnomAD v4.1: 11 of 1,613,718 alleles (0.00068%); highest among the groups gnomAD compares: Non-Finnish European, 0.00093%; no homozygotes.

Submission:

PreventionGenetics, part of Exact Sciences
Classification: Uncertain significance for TTN-related condition. Last evaluated: 2026-02-18. Review status: criteria provided, single submitter. Criteria: ACMG Guidelines, 2015. Collection method: clinical testing. Allele origin: germline.
Comment: The TTN c.98633T>G variant is predicted to result in the amino acid substitution p.Ile32878Arg. To our knowledge, this variant has not been reported in the literature. This variant is reported in 0.0016% of alleles in individuals of European (Non-Finnish) descent in gnomAD. At this time, the clinical significance of this variant is uncertain due to the absence of conclusive functional and genetic evidence.

NM_001267550.2(TTN):c.98633T>G (p.Ile32878Arg)

Genes: TTN (titin; minus strand), TTN-AS1 (TTN antisense RNA 1; plus strand). Cytogenetic location: 2q31.2.
Variant type: single nucleotide variant.
Coding change: c.98633T>G on transcript NM_001267550.2 (MANE Select); coding-DNA position 98633, T replaced by G.
Protein change: p.Ile32878Arg; replaces isoleucine 32878 with arginine.
Molecular consequence: missense variant. On other transcripts: non-coding transcript variant (1).
Genome position (GRCh38, 1-based): chr2:178,539,432, A>C on the plus strand (T>G on the coding strand, the complement: TTN is on the minus strand). VCF-style: chr2-178539432-A-C. GRCh37 (hg19) VCF-style: chr2-179404159-A-C.
Other names: c.93710T>G, p.Ile31237Arg (NM_001256850.1); c.71438T>G, p.Ile23813Arg (NM_003319.4); c.90929T>G, p.Ile30310Arg (NM_133378.4); c.71813T>G, p.Ile23938Arg (NM_133432.3); c.72014T>G, p.Ile24005Arg (NM_133437.4); short protein forms I23813R, I23938R, I24005R, I30310R, I31237R, I32878R.
Identifiers: ClinVar variation 2635785 (VCV002635785.2), dbSNP rs1239539070, ClinGen allele CA349431969.